The following is an entry in ClinVar:

ClinVar aggregate classification (germline): Uncertain significance (1 of 4 stars; one submission).

Submission:

Labcorp Genetics (formerly Invitae), Labcorp
Classification: Uncertain significance. Last evaluated: 2025-01-07. Review status: criteria provided, single submitter. Criteria: Invitae Variant Classification Sherloc (09022015). Collection method: clinical testing. Allele origin: germline.
Comment: This sequence change replaces glutamine, which is neutral and polar, with glutamic acid, which is acidic and polar, at codon 43 of the SUCO protein (p.Gln43Glu). This variant is not present in population databases (gnomAD no frequency). This variant has not been reported in the literature in individuals affected with SUCO-related conditions. An algorithm developed to predict the effect of missense changes on protein structure and function (PolyPhen-2) suggests that this variant is likely to be tolerated. In summary, the available evidence is currently insufficient to determine the role of this variant in disease. Therefore, it has been classified as a Variant of Uncertain Significance.

NM_014283.5(SUCO):c.127C>G (p.Gln43Glu)

Gene: SUCO (SUN domain containing ossification factor; plus strand). Cytogenetic location: 1q24.3.
Variant type: single nucleotide variant.
Coding change: c.127C>G on transcript NM_014283.5 (MANE Select); coding-DNA position 127, C replaced by G.
Protein change: p.Gln43Glu; replaces glutamine 43 with glutamic acid.
Molecular consequence: missense variant. On other transcripts: 5 prime UTR variant (1).
Genome position (GRCh38, 1-based): chr1:172,551,576, C>G. VCF-style: chr1-172551576-C-G. GRCh37 (hg19) VCF-style: chr1-172520716-C-G.
Other names: c.127C>G, p.Gln43Glu (NM_001282750.2); c.-1403C>G (NM_001282751.2); c.712C>G, p.Gln238Glu (NM_016227.4); short protein forms Q43E, Q238E.
Identifiers: ClinVar variation 3728592 (VCV003728592.2).